The following is an entry in ClinVar:

ClinVar aggregate classification (germline): Uncertain significance. Review status: criteria provided, multiple submitters, no conflicts (2 of 4 stars). 2 submissions from 2 submitters: Uncertain significance (2). Last evaluated 2024-07-13.

Conditions:
Hereditary cancer-predisposing syndrome. Also called: Tumor predisposition; Hereditary Cancer Syndrome; Hereditary neoplastic syndrome; Neoplastic Syndromes, Hereditary. Identifiers: Orphanet 140162, MedGen C0027672, MeSH D009386, MONDO:0015356.
Hereditary nonpolyposis colorectal neoplasms. Identifiers: MedGen C0009405, MeSH D003123.

Submissions (2):

Ambry Genetics
Classification: Uncertain significance for Hereditary cancer-predisposing syndrome. Last evaluated: 2024-07-13. Review status: criteria provided, single submitter. Criteria: Ambry Variant Classification Scheme 2023. Collection method: clinical testing. Allele origin: germline.
Comment: The p.G448E variant (also known as c.1343G>A), located in coding exon 11 of the PMS2 gene, results from a G to A substitution at nucleotide position 1343. The glycine at codon 448 is replaced by glutamic acid, an amino acid with similar properties. This amino acid position is conserved. In addition, this alteration is predicted to be tolerated by in silico analysis. Based on the available evidence, the clinical significance of this variant remains unclear.

Labcorp Genetics (formerly Invitae), Labcorp
Classification: Uncertain significance for Hereditary nonpolyposis colorectal neoplasms. Last evaluated: 2023-08-22. Review status: criteria provided, single submitter. Criteria: Invitae Variant Classification Sherloc (09022015). Collection method: clinical testing. Allele origin: germline.
Comment: This variant is not present in population databases (gnomAD no frequency). In summary, the available evidence is currently insufficient to determine the role of this variant in disease. Therefore, it has been classified as a Variant of Uncertain Significance. Advanced modeling of protein sequence and biophysical properties (such as structural, functional, and spatial information, amino acid conservation, physicochemical variation, residue mobility, and thermodynamic stability) performed at Invitae indicates that this missense variant is not expected to disrupt PMS2 protein function. ClinVar contains an entry for this variant (Variation ID: 411030). This variant has not been reported in the literature in individuals affected with PMS2-related conditions. This sequence change replaces glycine, which is neutral and non-polar, with glutamic acid, which is acidic and polar, at codon 448 of the PMS2 protein (p.Gly448Glu).

NM_000535.7(PMS2):c.1343G>A (p.Gly448Glu)

Gene: PMS2 (PMS1 homolog 2, mismatch repair system component; minus strand). Cytogenetic location: 7p22.1.
Variant type: single nucleotide variant.
Coding change: c.1343G>A on transcript NM_000535.7 (MANE Select); coding-DNA position 1343, G replaced by A.
Protein change: p.Gly448Glu; replaces glycine 448 with glutamic acid.
Molecular consequence: missense variant. On other transcripts: non-coding transcript variant (1).
Genome position (GRCh38, 1-based): chr7:5,987,422, C>T on the plus strand (G>A on the coding strand, the complement: PMS2 is on the minus strand). VCF-style: chr7-5987422-C-T. GRCh37 (hg19) VCF-style: chr7-6027053-C-T.
Other names: c.938G>A, p.Gly313Glu (NM_001322003.2, NM_001322004.2, NM_001322005.2 and 1 more transcripts); c.1187G>A, p.Gly396Glu (NM_001322006.2); c.1025G>A, p.Gly342Glu (NM_001322007.2, NM_001322008.2); c.782G>A, p.Gly261Glu (NM_001322010.2); c.410G>A, p.Gly137Glu (NM_001322011.2, NM_001322012.2); c.770G>A, p.Gly257Glu (NM_001322013.2); c.1343G>A, p.Gly448Glu (NM_001322014.2); c.1034G>A, p.Gly345Glu (NM_001322015.2); short protein forms G448E, G257E, G137E, G342E, G396E, G261E, G345E, G313E.
Identifiers: ClinVar variation 411030 (VCV000411030.11), dbSNP rs1060503118, ClinGen allele CA16612136.